The following is an entry in ClinVar:

NM_020778.5(ALPK3):c.4241del (p.Gly1414fs)

Gene: ALPK3 (alpha kinase 3; plus strand). Cytogenetic location: 15q25.3.
Variant type: Deletion.
Coding change: c.4241del on transcript NM_020778.5 (MANE Select); coding-DNA position 4241, one base deleted (G; older notation c.4241delG).
Protein change: p.Gly1414fs; shifts the reading frame from glycine 1414.
Molecular consequence: frameshift variant.
Genome position (GRCh38, 1-based): chr15:84,862,746, G deleted; the last of 5 consecutive G bases (chr15:84,862,742-84,862,746); deleting any one gives the same sequence. VCF-style (leftmost placement, unchanged base first): chr15-84862741-AG-A. GRCh37 (hg19) VCF-style: chr15-85405972-AG-A.
Other names: short protein forms G1414fs.
Identifiers: ClinVar variation 2717191 (VCV002717191.3), dbSNP rs2505727425, ClinGen allele CA645589430.
Genomic context (GRCh38, chr15:84,862,741, plus strand): 5'-GGCTGACTCTGGCTGCTGGGGGGACAAGCTCTTTGGGCGACTGGTAAGCGAGGAGCTCCG[AG>A]GGGGTGGATATGGGTGTGGCCTTCGGAAGGCCTCCCAGGCCAAGGTCATCTACGGGCTGG-3'

ClinVar aggregate classification (germline): Pathogenic (1 of 4 stars; one submission).

Submission:

Labcorp Genetics (formerly Invitae), Labcorp
Classification: Pathogenic. Last evaluated: 2023-06-16. Review status: criteria provided, single submitter. Criteria: Invitae Variant Classification Sherloc (09022015). Collection method: clinical testing. Allele origin: germline.
Comment: For these reasons, this variant has been classified as Pathogenic. This variant has not been reported in the literature in individuals affected with ALPK3-related conditions. This variant is not present in population databases (gnomAD no frequency). This sequence change creates a premature translational stop signal (p.Gly1616Valfs*64) in the ALPK3 gene. It is expected to result in an absent or disrupted protein product. Loss-of-function variants in ALPK3 are known to be pathogenic (PMID: 21441111, 26846950, 27106955, 34263907).

Literature cited by the submitters: PubMed 21441111; PubMed 26846950; PubMed 27106955; PubMed 34263907.